The following is an entry in ClinVar:

NM_001353788.2(APBA2):c.503C>T (p.Pro168Leu)

Gene: APBA2 (amyloid beta precursor protein binding family A member 2; plus strand). Cytogenetic location: 15q13.1.
Variant type: single nucleotide variant.
Coding change: c.503C>T on transcript NM_001353788.2 (MANE Select); coding-DNA position 503, C replaced by T.
Protein change: p.Pro168Leu; replaces proline 168 with leucine.
Molecular consequence: missense variant.
Genome position (GRCh38, 1-based): chr15:29,054,387, C>T. VCF-style: chr15-29054387-C-T. GRCh37 (hg19) VCF-style: chr15-29346590-C-T.
Other names: c.503C>T, p.Pro168Leu (NM_001130414.1, NM_001353789.2, NM_001353790.2 and 6 more transcripts); short protein forms P168L.
Identifiers: ClinVar variation 708176 (VCV000708176.6), dbSNP rs148760039, ClinGen allele CA7445123.

ClinVar aggregate classification (germline): Benign. Review status: criteria provided, single submitter (1 of 4 stars). 2 submissions from 2 submitters: Benign (1). 1 of the submissions does not count toward it. Last evaluated 2019-12-31.

Conditions:
APBA2-related disorder. Also called: APBA2-related condition.

Allele frequency attached by ClinVar (database versions not stated): ESP Exome Variant Server 0.00038; gnomAD exomes 0.00071 and 0.00211; gnomAD 0.00084 and 0.00100; TOPMed 0.00132; ExAC 0.00195; 1000 Genomes Project 30x 0.00328; 1000 Genomes Project 0.00339.

Submissions (2):

Labcorp Genetics (formerly Invitae), Labcorp
Classification: Benign. Last evaluated: 2019-12-31. Review status: criteria provided, single submitter. Criteria: Invitae Variant Classification Sherloc (09022015). Collection method: clinical testing. Allele origin: germline.

PreventionGenetics, part of Exact Sciences
Classification: Benign for APBA2-related condition. Last evaluated: 2019-05-24. Review status: no assertion criteria provided. Collection method: clinical testing. Allele origin: germline. Not counted in ClinVar's aggregate classification.
Comment: This variant is classified as benign based on ACMG/AMP sequence variant interpretation guidelines (Richards et al. 2015 PMID: 25741868, with internal and published modifications).